The following is an entry in ClinVar:

ClinVar aggregate classification (germline): Uncertain significance. Review status: criteria provided, multiple submitters, no conflicts (2 of 4 stars). 2 submissions from 2 submitters: Uncertain significance (2). Last evaluated 2022-07-05.

Conditions:
Alstrom syndrome (ALMS). Identifiers: Orphanet 64, MedGen C0268425, MONDO:0008763, OMIM 203800.

Submissions (2):

Labcorp Genetics (formerly Invitae), Labcorp
Classification: Uncertain significance for Alstrom syndrome. Last evaluated: 2022-07-05. Review status: criteria provided, single submitter. Criteria: Invitae Variant Classification Sherloc (09022015). Collection method: clinical testing. Allele origin: germline.
Comment: This sequence change replaces alanine with proline at codon 1281 of the ALMS1 protein (p.Ala1281Pro). The alanine residue is weakly conserved and there is a small physicochemical difference between alanine and proline. This variant is not present in population databases (gnomAD no frequency). This variant has not been reported in the literature in individuals affected with ALMS1-related conditions. ClinVar contains an entry for this variant (Variation ID: 1443392). In summary, the available evidence is currently insufficient to determine the role of this variant in disease. Therefore, it has been classified as a Variant of Uncertain Significance.

Fulgent Genetics
Classification: Uncertain significance for Alstrom syndrome. Last evaluated: 2022-03-08. Review status: criteria provided, single submitter. Criteria: ACMG Guidelines, 2015. Collection method: clinical testing. Allele origin: unknown.

NM_001378454.1(ALMS1):c.3838G>C (p.Ala1280Pro)

Gene: ALMS1 (ALMS1 centrosome and basal body associated protein; plus strand). Cytogenetic location: 2p13.1.
Variant type: single nucleotide variant.
Coding change: c.3838G>C on transcript NM_001378454.1 (MANE Select); coding-DNA position 3838, G replaced by C.
Protein change: p.Ala1280Pro; replaces alanine 1280 with proline.
Molecular consequence: missense variant.
Genome position (GRCh38, 1-based): chr2:73,450,365, G>C. VCF-style: chr2-73450365-G-C. GRCh37 (hg19) VCF-style: chr2-73677492-G-C.
Other names: c.3841G>C, p.Ala1281Pro (NM_015120.4); short protein forms A1281P, A1280P.
Identifiers: ClinVar variation 1443392 (VCV001443392.4), dbSNP rs767729719, ClinGen allele CA347276887.